The following is an entry in ClinVar:

ClinVar aggregate classification (germline): Uncertain significance (1 of 4 stars; one submission).

Conditions:
Charcot-Marie-Tooth disease axonal type 2P. Also called: CHARCOT-MARIE-TOOTH NEUROPATHY, TYPE 2P; CHARCOT-MARIE-TOOTH DISEASE, AXONAL, TYPE 2G; CMT 2G; Charcot-Marie-Tooth Neuropathy Type 2G. Identifiers: Orphanet 300319, Orphanet 99941, MedGen C3280797, MONDO:0013753, OMIM 614436.

Submission:

Labcorp Genetics (formerly Invitae), Labcorp
Classification: Uncertain significance for Charcot-Marie-Tooth disease axonal type 2P. Last evaluated: 2022-07-19. Review status: criteria provided, single submitter. Criteria: Invitae Variant Classification Sherloc (09022015). Collection method: clinical testing. Allele origin: germline.
Comment: In summary, the available evidence is currently insufficient to determine the role of this variant in disease. Therefore, it has been classified as a Variant of Uncertain Significance. Algorithms developed to predict the effect of missense changes on protein structure and function are either unavailable or do not agree on the potential impact of this missense change (SIFT: "Tolerated"; PolyPhen-2: "Probably Damaging"; Align-GVGD: "Class C0"). ClinVar contains an entry for this variant (Variation ID: 578152). This variant has not been reported in the literature in individuals affected with LRSAM1-related conditions. This variant is not present in population databases (gnomAD no frequency). This sequence change replaces alanine, which is neutral and non-polar, with serine, which is neutral and polar, at codon 422 of the LRSAM1 protein (p.Ala422Ser).

NM_001005373.4(LRSAM1):c.1264G>T (p.Ala422Ser)

Gene: LRSAM1 (leucine rich repeat and sterile alpha motif containing 1; plus strand). Cytogenetic location: 9q33.3.
Variant type: single nucleotide variant.
Coding change: c.1264G>T on transcript NM_001005373.4 (MANE Select); coding-DNA position 1264, G replaced by T.
Protein change: p.Ala422Ser; replaces alanine 422 with serine.
Molecular consequence: missense variant. On other transcripts: non-coding transcript variant (2).
Genome position (GRCh38, 1-based): chr9:127,487,680, G>T. VCF-style: chr9-127487680-G-T. GRCh37 (hg19) VCF-style: chr9-130249959-G-T.
Other names: c.1264G>T, p.Ala422Ser (NM_001005374.4, NM_001190723.3, NM_001384142.1 and 2 more transcripts); c.475G>T, p.Ala159Ser (NM_001384144.1); short protein forms A422S, A159S.
Identifiers: ClinVar variation 578152 (VCV000578152.8), dbSNP rs372452916, ClinGen allele CA374932625.